The following is an entry in ClinVar:

NM_003172.4(SURF1):c.283del (p.Glu95fs)

Gene: SURF1 (SURF1 cytochrome c oxidase assembly factor; minus strand). Cytogenetic location: 9q34.2.
Variant type: Deletion.
Coding change: c.283del on transcript NM_003172.4 (MANE Select); coding-DNA position 283, one base deleted (G; older notation c.283delG).
Protein change: p.Glu95fs; shifts the reading frame from glutamic acid 95.
Molecular consequence: frameshift variant. On other transcripts: 5 prime UTR variant (1).
Genome position (GRCh38, 1-based): chr9:133,354,699, C deleted on the plus strand (G on the coding strand, the reverse complement: SURF1 is on the minus strand); the first of 2 consecutive C bases (chr9:133,354,699-133,354,700); deleting either gives the same sequence. VCF-style (leftmost placement, unchanged base first): chr9-133354698-TC-T. GRCh37 (hg19) VCF-style: chr9-136221553-TC-T.
Other names: c.-45del (NM_001280787.1); short protein forms E95fs.
Identifiers: ClinVar variation 1320241 (VCV001320241.1), dbSNP rs2119085025, ClinGen allele CA2573053132.

ClinVar aggregate classification (germline): Pathogenic (1 of 4 stars; one submission).

Conditions:
Leigh syndrome (NULS). Also called: Leigh's syndrome; Leigh Disease; Subacute necrotizing encephalopathy; Necrotizing encephalopathy infantile subacute of Leigh; Leigh's necrotizing encephalopathy; Leigh's disease. Identifiers: Orphanet 506, MedGen C2931891, MONDO:0009723, OMIM 256000.

Submission:

3billion
Classification: Pathogenic for Leigh syndrome. Last evaluated: 2021-10-02. Review status: criteria provided, single submitter. Criteria: ACMG Guidelines, 2015. Collection method: clinical testing. Allele origin: paternal. Affected: yes. Observed: 1 heterozygote.
Comment: Frameshift: predicted to result in a loss or disruption of normal protein function through nonsense-mediated decay (NMD) or protein truncation. Multiple pathogenic variants are reported downstream of the variant (PVS1_VS). It is not observed in the gnomAD v2.1.1 dataset (PM2). The variant was observed in trans with a pathogenic variant [NM_003172.3: c.367_368del (p.Arg123GlyfsTer4)] as compound heterozygous (3billion dataset, PM3). Therefore, this variant is classified as pathogenic according to the recommendation of ACMG/AMP guideline.